The following is an entry in ClinVar:

ClinVar aggregate classification (germline): Pathogenic (1 of 4 stars; one submission).

Conditions:
Hereditary breast ovarian cancer syndrome. Also called: BRCA1- and BRCA2-Associated Hereditary Breast and Ovarian Cancer; Hereditary breast and ovarian cancer; Hereditary breast and ovarian cancer syndrome (HBOC); Breast and ovarian cancer; Hereditary breast and ovarian cancer syndrome; Hereditary breast and/or ovarian cancer syndrome. Identifiers: Orphanet 145, MedGen C0677776, MeSH D061325, MONDO:0003582. Disease mechanism: loss of function.

Submission:

Labcorp Genetics (formerly Invitae), Labcorp
Classification: Pathogenic for Hereditary breast ovarian cancer syndrome. Last evaluated: 2022-09-06. Review status: criteria provided, single submitter. Criteria: Invitae Variant Classification Sherloc (09022015). Collection method: clinical testing. Allele origin: germline.
Comment: This sequence change creates a premature translational stop signal (p.Lys70Glnfs*11) in the BRCA1 gene. It is expected to result in an absent or disrupted protein product. Loss-of-function variants in BRCA1 are known to be pathogenic (PMID: 20104584). This variant is not present in population databases (gnomAD no frequency). This variant has not been reported in the literature in individuals affected with BRCA1-related conditions. For these reasons, this variant has been classified as Pathogenic.

Literature cited by the submitters: PubMed 20104584.

NM_007294.4(BRCA1):c.207dup (p.Lys70fs)

Gene: BRCA1 (BRCA1 DNA repair associated; minus strand). Cytogenetic location: 17q21.31.
Variant type: Duplication.
Coding change: c.207dup on transcript NM_007294.4 (MANE Select); coding-DNA position 207, one base duplicated (C; older notation c.207dupC).
Protein change: p.Lys70fs; shifts the reading frame from lysine 70.
Molecular consequence: frameshift variant.
Genome position (GRCh38, 1-based): chr17:43,106,461, G duplicated on the plus strand (C on the coding strand, the reverse complement: BRCA1 is on the minus strand); the first of 2 consecutive G bases (chr17:43,106,461-43,106,462); duplicating either gives the same sequence. VCF-style (leftmost placement, unchanged base first): chr17-43106460-T-TG. GRCh37 (hg19) VCF-style: chr17-41258477-T-TG.
Other names: c.206dup, p.Lys70Glnfs (NM_001407581.1, NM_001407582.1, NM_001407583.1 and 166 more transcripts); c.65dup, p.Lys23Glnfs (NM_001407692.1, NM_001407694.1, NM_001407695.1 and 98 more transcripts); c.66dup, p.Lys23fs (NM_007297.4); c.207dup, p.Lys70fs (NM_007299.4, NM_007300.4); short protein forms K70fs, K23fs.
Identifiers: ClinVar variation 2029059 (VCV002029059.4), dbSNP rs2154554705, ClinGen allele CA2580093827.
Genomic context (GRCh38, chr17:43,106,460, plus strand): 5'-TCTACTTTTTCCTACTGTGGTTGCTTCCAACCTAGCATCATTACCAAATTATATACCTTT[T>TG]GGTTATATCATTCTTACATAAAGGACACTGTGAAGGCCCTTTCTTCTGGTTGAGAAGTTT-3'